The following is an entry in ClinVar:

ClinVar aggregate classification (germline): Uncertain significance (1 of 4 stars; one submission).

Conditions:
Jeune thoracic dystrophy. Also called: Short-rib thoracic dysplasia; Jeune syndrome; Infantile thoracic dystrophy; Thoracic pelvic phalangeal dystrophy; Jeune's syndrome; Chondroectodermal dysplasia-like syndrome. Identifiers: Orphanet 474, MedGen C0265275, MONDO:0018770.

Submission:

Labcorp Genetics (formerly Invitae), Labcorp
Classification: Uncertain significance for Jeune thoracic dystrophy. Last evaluated: 2025-06-25. Review status: criteria provided, single submitter. Criteria: Invitae Variant Classification Sherloc (09022015). Collection method: clinical testing. Allele origin: germline.
Comment: This sequence change replaces alanine, which is neutral and non-polar, with aspartic acid, which is acidic and polar, at codon 2755 of the DYNC2H1 protein (p.Ala2755Asp). This variant is not present in population databases (gnomAD no frequency). This variant has not been reported in the literature in individuals affected with DYNC2H1-related conditions. Invitae Evidence Modeling of protein sequence and biophysical properties (such as structural, functional, and spatial information, amino acid conservation, physicochemical variation, residue mobility, and thermodynamic stability) indicates that this missense variant is expected to disrupt DYNC2H1 protein function with a positive predictive value of 95%. In summary, the available evidence is currently insufficient to determine the role of this variant in disease. Therefore, it has been classified as a Variant of Uncertain Significance.

NM_001377.3(DYNC2H1):c.8264C>A (p.Ala2755Asp)

Gene: DYNC2H1 (dynein cytoplasmic 2 heavy chain 1; plus strand). Cytogenetic location: 11q22.3.
Variant type: single nucleotide variant.
Coding change: c.8264C>A on transcript NM_001377.3 (MANE Select); coding-DNA position 8264, C replaced by A.
Protein change: p.Ala2755Asp; replaces alanine 2755 with aspartic acid.
Molecular consequence: missense variant.
Genome position (GRCh38, 1-based): chr11:103,203,729, C>A. VCF-style: chr11-103203729-C-A. GRCh37 (hg19) VCF-style: chr11-103074458-C-A.
Other names: c.8264C>A, p.Ala2755Asp (NM_001080463.2); short protein forms A2755D.
Identifiers: ClinVar variation 4800503 (VCV004800503.1).